The following is an entry in ClinVar:

NM_004423.4(DVL3):c.2050G>A (p.Gly684Ser)

Gene: DVL3 (dishevelled segment polarity protein 3; plus strand). Cytogenetic location: 3q27.1.
Variant type: single nucleotide variant.
Coding change: c.2050G>A on transcript NM_004423.4 (MANE Select); coding-DNA position 2050, G replaced by A.
Protein change: p.Gly684Ser; replaces glycine 684 with serine.
Molecular consequence: missense variant.
Genome position (GRCh38, 1-based): chr3:184,170,654, G>A. VCF-style: chr3-184170654-G-A. GRCh37 (hg19) VCF-style: chr3-183888442-G-A.
Other names: short protein forms G684S.
Identifiers: ClinVar variation 1039495 (VCV001039495.5), dbSNP rs923122337, ClinGen allele CA88856210.

ClinVar aggregate classification (germline): Uncertain significance (1 of 4 stars; one submission).

Allele frequency attached by ClinVar (database versions not stated): gnomAD exomes below 0.00001.
gnomAD v4.1: 3 of 1,612,086 alleles (0.00019%); highest among the groups gnomAD compares: South Asian, 0.0033%; no homozygotes.

Submission:

Labcorp Genetics (formerly Invitae), Labcorp
Classification: Uncertain significance. Last evaluated: 2022-06-27. Review status: criteria provided, single submitter. Criteria: Invitae Variant Classification Sherloc (09022015). Collection method: clinical testing. Allele origin: germline.
Comment: This variant is not present in population databases (gnomAD no frequency). This sequence change replaces glycine, which is neutral and non-polar, with serine, which is neutral and polar, at codon 684 of the DVL3 protein (p.Gly684Ser). This variant has not been reported in the literature in individuals affected with DVL3-related conditions. In summary, the available evidence is currently insufficient to determine the role of this variant in disease. Therefore, it has been classified as a Variant of Uncertain Significance. Algorithms developed to predict the effect of missense changes on protein structure and function are either unavailable or do not agree on the potential impact of this missense change (SIFT: "Tolerated"; PolyPhen-2: "Probably Damaging"; Align-GVGD: "Class C0"). ClinVar contains an entry for this variant (Variation ID: 1039495).